The following is an entry in ClinVar:

ClinVar aggregate classification (germline): Uncertain significance (1 of 4 stars; one submission).

Conditions:
Inborn genetic diseases. Identifiers: MedGen C0950123, MeSH D030342.

Submission:

Ambry Genetics
Classification: Uncertain significance for Inborn genetic diseases. Last evaluated: 2026-07-04. Review status: criteria provided, single submitter. Criteria: Ambry Variant Classification Scheme 2023. Collection method: clinical testing. Allele origin: germline.
Comment: The p.H995R variant (also known as c.2984A>G), located in coding exon 13 of the ASXL1 gene, results from an A to G substitution at nucleotide position 2984. The histidine at codon 995 is replaced by arginine, an amino acid with highly similar properties. This amino acid position is conserved. In addition, this alteration is predicted to be tolerated by in silico analysis. Based on the available evidence, the clinical significance of this variant remains unclear.

NM_015338.6(ASXL1):c.2984A>G (p.His995Arg)

Gene: ASXL1 (ASXL transcriptional regulator 1; plus strand). Cytogenetic location: 20q11.21.
Variant type: single nucleotide variant.
Coding change: c.2984A>G on transcript NM_015338.6 (MANE Select); coding-DNA position 2984, A replaced by G.
Protein change: p.His995Arg; replaces histidine 995 with arginine.
Molecular consequence: missense variant.
Genome position (GRCh38, 1-based): chr20:32,435,696, A>G. VCF-style: chr20-32435696-A-G. GRCh37 (hg19) VCF-style: chr20-31023499-A-G.
Other names: c.2801A>G, p.His934Arg (NM_001363734.1); short protein forms H934R, H995R.
Identifiers: ClinVar variation 5029801 (VCV005029801.1).